The following is an entry in ClinVar:

NM_012144.4(DNAI1):c.1116C>T (p.Asn372=)

Gene: DNAI1 (dynein axonemal intermediate chain 1; plus strand). Cytogenetic location: 9p13.3.
Variant type: single nucleotide variant.
Coding change: c.1116C>T on transcript NM_012144.4 (MANE Select); coding-DNA position 1116, C replaced by T.
Protein change: p.Asn372=; no amino-acid change (asparagine 372 retained).
Molecular consequence: synonymous variant.
Genome position (GRCh38, 1-based): chr9:34,506,679, C>T. VCF-style: chr9-34506679-C-T. GRCh37 (hg19) VCF-style: chr9-34506677-C-T.
Other names: c.1116C>T (NM_012144.3); c.1128C>T, p.Asn376= (NM_001281428.2).
Identifiers: ClinVar variation 1955500 (VCV001955500.7), dbSNP rs2492094878, ClinGen allele CA464398042.

ClinVar aggregate classification (germline): Likely benign. Review status: criteria provided, multiple submitters, no conflicts (2 of 4 stars). 3 submissions from 3 submitters: Likely benign (2). 1 of the submissions does not count toward it. Last evaluated 2025-02-27.

Conditions:
Primary ciliary dyskinesia. Also called: Ciliary dyskinesia. Identifiers: Orphanet 244, MedGen C0008780, MONDO:0016575, HP:0012265.
DNAI1-related disorder. Also called: DNAI1-related condition.

Allele frequency attached by ClinVar (database versions not stated): gnomAD exomes 0.00001.
gnomAD v4.1: 3 of 1,614,220 alleles (0.00019%); highest among the groups gnomAD compares: Non-Finnish European, 0.00025%; no homozygotes.

Submissions (3):

Labcorp Genetics (formerly Invitae), Labcorp
Classification: Likely benign for Primary ciliary dyskinesia. Last evaluated: 2025-02-27. Review status: criteria provided, single submitter. Criteria: Invitae Variant Classification Sherloc (09022015). Collection method: clinical testing. Allele origin: germline.

PreventionGenetics, part of Exact Sciences
Classification: Likely benign for DNAI1-related condition. Last evaluated: 2024-12-13. Review status: criteria provided, single submitter. Criteria: ACMG Guidelines, 2015. Collection method: clinical testing. Allele origin: germline.
Comment: This variant is classified as likely benign based on ACMG/AMP sequence variant interpretation guidelines (Richards et al. 2015 PMID: 25741868, with internal and published modifications).

Natera, Inc.
Classification: Uncertain significance for Primary ciliary dyskinesia. Last evaluated: 2025-05-21. Review status: no assertion criteria provided. Collection method: clinical testing. Allele origin: germline. Not counted in ClinVar's aggregate classification.